The following is an entry in ClinVar:

ClinVar aggregate classification (germline): Likely pathogenic (1 of 4 stars; one submission).

Conditions:
Neurodevelopmental disorder with hypotonia, seizures, and absent language (NDHSAL). Identifiers: MedGen C4310643, MONDO:0014995, OMIM 617268.

Submission:

Victorian Clinical Genetics Services, Murdoch Childrens Research Institute
Classification: Likely pathogenic for Neurodevelopmental disorder with hypotonia, seizures, and absent language. Last evaluated: 2020-10-19. Review status: criteria provided, single submitter. Criteria: ACMG Guidelines, 2015. Collection method: clinical testing. Allele origin: germline. Inheritance: Autosomal dominant inheritance. Affected: yes.
Comment: Based on the classification scheme VCGS_Germline_v1.3.3, this variant is classified as Likely pathogenic. Following criteria are met: 0105 - The mechanism of disease for this gene is not clearly established. (I) 0107 - This gene is associated with autosomal dominant disease. (I) 0200 - Variant is predicted to result in a missense amino acid change from serine to alanine. (I) 0251 - This variant is heterozygous. (I) 0301 - Variant is absent from gnomAD (both v2 and v3). (SP) 0502 - Missense variant with conflicting in silico predictions and uninformative conservation. (I) 0600 - Variant is located in the annotated HECT domain (PDB; NCBI). (I) 0704 - Another missense variant comparable to the one identified in this case has limited previous evidence for pathogenicity. p.(Ser1504Tyr) has previously been reported de novo in at least one patient with HECW2-related disease (ClinVar) (SP) 0807 - This variant has no previous evidence of pathogenicity. (I) 0905 - No published segregation evidence has been identified for this variant. (I) 1007 - No published functional evidence has been identified for this variant. (SP) Legend: (SP) - Supporting pathogenic, (I) - Information, (SB) - Supporting benign

NM_001348768.2(HECW2):c.4510T>G (p.Ser1504Ala)

Gene: HECW2 (HECT, C2 and WW domain containing E3 ubiquitin protein ligase 2; minus strand). Cytogenetic location: 2q32.3.
Variant type: single nucleotide variant.
Coding change: c.4510T>G on transcript NM_001348768.2 (MANE Select); coding-DNA position 4510, T replaced by G.
Protein change: p.Ser1504Ala; replaces serine 1504 with alanine.
Molecular consequence: missense variant.
Genome position (GRCh38, 1-based): chr2:196,215,962, A>C on the plus strand (T>G on the coding strand, the complement: HECW2 is on the minus strand). VCF-style: chr2-196215962-A-C. GRCh37 (hg19) VCF-style: chr2-197080686-A-C.
Other names: c.3442T>G, p.Ser1148Ala (NM_001304840.3); c.4510T>G, p.Ser1504Ala (NM_020760.4); short protein forms S1148A, S1504A.
Identifiers: ClinVar variation 1806140 (VCV001806140.1), dbSNP rs2470317158, ClinGen allele CA349942173.